The following is an entry in ClinVar:

ClinVar aggregate classification (germline): Uncertain significance. Review status: criteria provided, multiple submitters, no conflicts (2 of 4 stars). 9 submissions from 9 submitters: Uncertain significance (9). Last evaluated 2026-02-06.

Conditions:
Combined immunodeficiency due to DOCK8 deficiency (HIES2). Also called: HYPER-IgE RECURRENT INFECTION SYNDROME 2, AUTOSOMAL RECESSIVE; HIES autosomal recessive; HYPER-IgE SYNDROME 2, AUTOSOMAL RECESSIVE, WITH RECURRENT INFECTIONS; DOCK8 Deficiency; Hyper-IgE recurrent infection syndrome, autosomal recessive. Identifiers: Orphanet 217390, MedGen C4722305, MONDO:0009478, OMIM 243700.

Allele frequency attached by ClinVar (database versions not stated): TOPMed 0.00016; gnomAD 0.00017 and 0.00015; gnomAD exomes 0.00018 and 0.00034; ESP Exome Variant Server 0.00023; ExAC 0.00030.
gnomAD v4.1: 305 of 1,614,050 alleles (0.019%); highest among the groups gnomAD compares: Middle Eastern, 0.13%; no homozygotes.

Submissions (9):

Women's Health and Genetics/Laboratory Corporation of America, LabCorp
Classification: Uncertain significance. Last evaluated: 2026-02-06. Review status: criteria provided, single submitter. Criteria: LabCorp Variant Classification Summary - May 2015. Collection method: clinical testing. Allele origin: germline.
Comment: Variant summary: DOCK8 c.1623C>G (p.His541Gln) results in a non-conservative amino acid change in the encoded protein sequence. Algorithms developed to predict the effect of missense changes on protein structure and function are either unavailable or do not agree on the potential impact of this missense change. The variant allele was found at a frequency of 0.00034 in 251282 control chromosomes. This frequency is not significantly higher than estimated for disease-causing variants in DOCK8, allowing no conclusion about variant significance. To our knowledge, no occurrence of c.1623C>G in individuals affected with DOCK8-related conditions and no experimental evidence demonstrating its impact on protein function have been reported. ClinVar contains an entry for this variant (Variation ID: 366676). Based on the evidence outlined above, the variant was classified as uncertain significance.

Labcorp Genetics (formerly Invitae), Labcorp
Classification: Uncertain significance for Combined immunodeficiency due to DOCK8 deficiency. Last evaluated: 2026-01-28. Review status: criteria provided, single submitter. Criteria: Invitae Variant Classification Sherloc (09022015). Collection method: clinical testing. Allele origin: germline.
Comment: This sequence change replaces histidine, which is basic and polar, with glutamine, which is neutral and polar, at codon 541 of the DOCK8 protein (p.His541Gln). This variant is present in population databases (rs200201944, gnomAD 0.09%). This missense change has been observed in individual(s) with a primary B cell defect (PMID: 36790564). ClinVar contains an entry for this variant (Variation ID: 366676). Invitae Evidence Modeling of protein sequence and biophysical properties (such as structural, functional, and spatial information, amino acid conservation, physicochemical variation, residue mobility, and thermodynamic stability) indicates that this missense variant is not expected to disrupt DOCK8 protein function with a negative predictive value of 80%. In summary, the available evidence is currently insufficient to determine the role of this variant in disease. Therefore, it has been classified as a Variant of Uncertain Significance.

Blueprint Genetics
Classification: Uncertain significance. Last evaluated: 2024-11-08. Review status: criteria provided, single submitter. Criteria: ACMG Guidelines, 2015. Collection method: clinical testing. Allele origin: germline.

GeneDx
Classification: Uncertain significance. Last evaluated: 2024-05-14. Review status: criteria provided, single submitter. Criteria: GeneDx Variant Classification Process June 2021. Collection method: clinical testing. Allele origin: germline. Affected: yes.
Comment: In silico analysis indicates that this missense variant does not alter protein structure/function; This variant is associated with the following publications: (PMID: 33206719, 36790564)

Fulgent Genetics
Classification: Uncertain significance for Combined immunodeficiency due to DOCK8 deficiency. Last evaluated: 2024-02-06. Review status: criteria provided, single submitter. Criteria: ACMG Guidelines, 2015. Collection method: clinical testing. Allele origin: germline.

Mayo Clinic Laboratories, Mayo Clinic
Classification: Uncertain significance. Last evaluated: 2023-10-27. Review status: criteria provided, single submitter. Criteria: ACMG Guidelines, 2015. Collection method: clinical testing. Allele origin: germline. Observed: 1 variant allele.
Comment: BP4

CeGaT Center for Human Genetics Tuebingen
Classification: Uncertain significance. Last evaluated: 2022-01-01. Review status: criteria provided, single submitter. Criteria: CeGaT Center For Human Genetics Tuebingen Variant Classification Criteria Version 2. Collection method: clinical testing. Allele origin: germline. Affected: yes. Observed: 1 variant allele.

Illumina Laboratory Services, Illumina
Classification: Uncertain significance for Combined immunodeficiency due to DOCK8 deficiency. Last evaluated: 2018-01-13. Review status: criteria provided, single submitter. Criteria: ICSL Variant Classification Criteria 13 December 2019. Collection method: clinical testing. Allele origin: germline.

Genetic Services Laboratory, University of Chicago
Classification: Uncertain significance. Last evaluated: 2017-07-12. Review status: criteria provided, single submitter. Criteria: ACMG Guidelines, 2015. Collection method: clinical testing. Allele origin: germline. Affected: no.

Literature cited by the submitters: PubMed 36790564 (cited by Labcorp Genetics (formerly Invitae), Labcorp and Mayo Clinic Laboratories, Mayo Clinic); PubMed 33206719 (cited by Mayo Clinic Laboratories, Mayo Clinic).

NM_203447.4(DOCK8):c.1623C>G (p.His541Gln)

Gene: DOCK8 (dedicator of cytokinesis 8; plus strand). Cytogenetic location: 9p24.3.
Variant type: single nucleotide variant.
Coding change: c.1623C>G on transcript NM_203447.4 (MANE Select); coding-DNA position 1623, C replaced by G.
Protein change: p.His541Gln; replaces histidine 541 with glutamine.
Molecular consequence: missense variant.
Genome position (GRCh38, 1-based): chr9:340,265, C>G. VCF-style: chr9-340265-C-G. GRCh37 (hg19) VCF-style: chr9-340265-C-G.
Other names: p.His541Gln; c.1419C>G, p.His473Gln (NM_001190458.2, NM_001193536.2); short protein forms H541Q, H473Q.
Identifiers: ClinVar variation 366676 (VCV000366676.53), dbSNP rs200201944, ClinGen allele CA4957808.
Genomic context (GRCh38, chr9:340,265, plus strand): 5'-CTGTCTGACTCCTGAAATGCTGCCCGTGAAACCCTTTCCTGAAAACCGGACACGCCCGCA[C>G]AAAGAGATTTTGGAATTTCCAACACGAGAAGTATATGTCCCTCACACTGTGTACAGGTAA-3'
Protein context (NP_982272.2, residues 531-551): KPFPENRTRP[His541Gln]KEILEFPTRE